The following is an entry in ClinVar:

NM_058216.3(RAD51C):c.1119G>A (p.Glu373=)

Gene: RAD51C (RAD51 paralog C; plus strand). Cytogenetic location: 17q22.
Variant type: single nucleotide variant.
Coding change: c.1119G>A on transcript NM_058216.3 (MANE Select); coding-DNA position 1119, G replaced by A.
Protein change: p.Glu373=; no amino-acid change (glutamic acid 373 retained).
Molecular consequence: synonymous variant. On other transcripts: non-coding transcript variant (1).
Genome position (GRCh38, 1-based): chr17:58,734,210, G>A. VCF-style: chr17-58734210-G-A. GRCh37 (hg19) VCF-style: chr17-56811571-G-A.
Identifiers: ClinVar variation 186098 (VCV000186098.17), dbSNP rs786202691, ClinGen allele CA193862.

ClinVar aggregate classification (germline): Benign/Likely benign. Review status: criteria provided, multiple submitters, no conflicts (2 of 4 stars). 4 submissions from 4 submitters: Benign (1); Likely benign (3). Last evaluated 2025-02-19.

Conditions:
Hereditary cancer-predisposing syndrome. Also called: Hereditary Cancer Syndrome; Neoplastic Syndromes, Hereditary; Tumor predisposition; Hereditary neoplastic syndrome. Identifiers: Orphanet 140162, MedGen C0027672, MeSH D009386, MONDO:0015356.
Breast-ovarian cancer, familial, susceptibility to, 3. Also called: RAD51C-Related Breast/Ovarian Cancer. Identifiers: Orphanet 145, MedGen C3150659, MONDO:0013253, OMIM 613399.
Fanconi anemia complementation group O. Also called: RAD51C-Related Fanconi Anemia. Identifiers: Orphanet 84, MedGen C3150653, MONDO:0013248, OMIM 613390.

Allele frequency attached by ClinVar (database versions not stated): gnomAD exomes below 0.00001.
gnomAD v4.1: 1 of 1,611,776 alleles (0.000062%); highest among the groups gnomAD compares: Non-Finnish European, 0.000085%; no homozygotes.

Submissions (4):

Myriad Genetics, Inc.
Classification: Benign for Breast-ovarian cancer, familial, susceptibility to, 3. Last evaluated: 2025-02-19. Review status: criteria provided, single submitter. Criteria: Myriad Autosomal Dominant, Autosomal Recessive and X-Linked Classification Criteria (2023). Collection method: clinical testing. Allele origin: unknown.
Comment: This variant is considered benign. This variant is a silent/synonymous amino acid change and it is not expected to impact splicing.

Labcorp Genetics (formerly Invitae), Labcorp
Classification: Likely benign for Fanconi anemia complementation group O. Last evaluated: 2022-10-09. Review status: criteria provided, single submitter. Criteria: Invitae Variant Classification Sherloc (09022015). Collection method: clinical testing. Allele origin: germline.

Color Diagnostics, LLC DBA Color Health
Classification: Likely benign for Hereditary cancer-predisposing syndrome. Last evaluated: 2021-10-25. Review status: criteria provided, single submitter. Criteria: ACMG Guidelines, 2015. Collection method: clinical testing. Allele origin: germline.

Ambry Genetics
Classification: Likely benign for Hereditary cancer-predisposing syndrome. Last evaluated: 2014-08-26. Review status: criteria provided, single submitter. Criteria: Ambry Variant Classification Scheme 2023. Collection method: clinical testing. Allele origin: germline.